The following is an entry in ClinVar:

ClinVar aggregate classification (germline): Uncertain significance (1 of 4 stars; one submission).

gnomAD v4.1: 10 of 1,612,886 alleles (0.00062%); highest among the groups gnomAD compares: Non-Finnish European, 0.00085%; no homozygotes.

Submission:

Ambry Genetics
Classification: Uncertain significance. Last evaluated: 2024-04-05. Review status: criteria provided, single submitter. Criteria: Ambry Variant Classification Scheme 2023. Collection method: clinical testing. Allele origin: germline.
Comment: The p.N248K variant (also known as c.744C>G), located in coding exon 8 of the STAP1 gene, results from a C to G substitution at nucleotide position 744. The asparagine at codon 248 is replaced by lysine, an amino acid with similar properties. This amino acid position is conserved. In addition, this alteration is predicted to be tolerated by in silico analysis. Based on the available evidence, the clinical significance of this variant remains unclear.

NM_012108.4(STAP1):c.744C>G (p.Asn248Lys)

Gene: STAP1 (signal transducing adaptor family member 1; plus strand). Cytogenetic location: 4q13.2.
Variant type: single nucleotide variant.
Coding change: c.744C>G on transcript NM_012108.4 (MANE Select); coding-DNA position 744, C replaced by G.
Protein change: p.Asn248Lys; replaces asparagine 248 with lysine.
Molecular consequence: missense variant.
Genome position (GRCh38, 1-based): chr4:67,593,274, C>G. VCF-style: chr4-67593274-C-G. GRCh37 (hg19) VCF-style: chr4-68458992-C-G.
Other names: c.744C>G, p.Asn248Lys (NM_001317769.2); short protein forms N248K.
Identifiers: ClinVar variation 3323076 (VCV003323076.1).